The following is an entry in ClinVar:

NC_000001.11:g.1336516del

Gene: DVL1 (dishevelled segment polarity protein 1; minus strand). Cytogenetic location: 1p36.33.
Variant type: Deletion.
Genome position: GRCh38 VCF-style: chr1-1336513-TC-T. GRCh37 (hg19) VCF-style: chr1-1271893-TC-T.
Identifiers: ClinVar variation 2861765 (VCV002861765.3), dbSNP rs2523131322, ClinGen allele CA2739272213.

ClinVar aggregate classification (germline): Uncertain significance (1 of 4 stars; one submission).

Submission:

Labcorp Genetics (formerly Invitae), Labcorp
Classification: Uncertain significance. Last evaluated: 2025-06-12. Review status: criteria provided, single submitter. Criteria: Invitae Variant Classification Sherloc (09022015). Collection method: clinical testing. Allele origin: germline.
Comment: This sequence change creates a premature translational stop signal (p.Ser548Alafs*101) in the DVL1 gene. While this is not anticipated to result in nonsense mediated decay, it is expected to disrupt the last 123 amino acid(s) of the DVL1 protein. This variant is not present in population databases (gnomAD no frequency). This variant has not been reported in the literature in individuals affected with DVL1-related conditions. ClinVar contains an entry for this variant (Variation ID: 2861765). In summary, the available evidence is currently insufficient to determine the role of this variant in disease. Therefore, it has been classified as a Variant of Uncertain Significance.